The following is an entry in ClinVar:

NM_001283009.2(RTEL1):c.2674C>A (p.Gln892Lys)

Genes: RTEL1 (regulator of telomere elongation helicase 1; plus strand), RTEL1-TNFRSF6B (RTEL1-TNFRSF6B readthrough (NMD candidate); plus strand). Cytogenetic location: 20q13.33.
Variant type: single nucleotide variant.
Coding change: c.2674C>A on transcript NM_001283009.2 (MANE Select); coding-DNA position 2674, C replaced by A.
Protein change: p.Gln892Lys; replaces glutamine 892 with lysine.
Molecular consequence: missense variant. On other transcripts: non-coding transcript variant (1).
Genome position (GRCh38, 1-based): chr20:63,692,826, C>A. VCF-style: chr20-63692826-C-A. GRCh37 (hg19) VCF-style: chr20-62324179-C-A.
Other names: c.2005C>A, p.Gln669Lys (NM_001283010.1); c.2674C>A, p.Gln892Lys (NM_016434.4); c.2746C>A, p.Gln916Lys (NM_032957.5); short protein forms Q892K, Q669K, Q916K.
Identifiers: ClinVar variation 3948347 (VCV003948347.1).
Genomic context (GRCh38, chr20:63,692,826, plus strand): 5'-AGGCTGGCCCTGATGGAGCCTCGGGCCTGTGTCCTGCAGGAGGAGCCCGTGGCTGGTGCA[C>A]AGACGGACAGGGCCAAGCTCTTCATGGTGGCCGTGAAGCAGGAGTTGAGCCAAGCCAACT-3'
Protein context (NP_001269938.1, residues 882-902): SHPEEPVAGA[Gln892Lys]TDRAKLFMVA

ClinVar aggregate classification (germline): Uncertain significance (1 of 4 stars; one submission).

Conditions:
Inborn genetic diseases. Identifiers: MedGen C0950123, MeSH D030342.

Submission:

Ambry Genetics
Classification: Uncertain significance for Inborn genetic diseases. Last evaluated: 2025-04-21. Review status: criteria provided, single submitter. Criteria: Ambry Variant Classification Scheme 2023. Collection method: clinical testing. Allele origin: germline.
Comment: The p.Q892K variant (also known as c.2674C>A), located in coding exon 28 of the RTEL1 gene, results from a C to A substitution at nucleotide position 2674. The glutamine at codon 892 is replaced by lysine, an amino acid with similar properties. This amino acid position is conserved. In addition, this alteration is predicted to be tolerated by in silico analysis. Based on the available evidence, the clinical significance of this variant remains unclear.